The following is an entry in ClinVar:

ClinVar aggregate classification (germline): Likely pathogenic (1 of 4 stars; one submission).

Conditions:
Generalized epilepsy with febrile seizures plus, type 9 (GEFSP9). Also called: GEFS+, TYPE 9. Identifiers: Orphanet 36387, MedGen C4015395, MONDO:0014517, OMIM 616172.

Submission:

Labcorp Genetics (formerly Invitae), Labcorp
Classification: Likely pathogenic for Generalized epilepsy with febrile seizures plus, type 9. Last evaluated: 2021-08-11. Review status: criteria provided, single submitter. Criteria: Invitae Variant Classification Sherloc (09022015). Collection method: clinical testing. Allele origin: germline.
Comment: In summary, the currently available evidence indicates that the variant is pathogenic, but additional data are needed to prove that conclusively. Therefore, this variant has been classified as Likely Pathogenic. Algorithms developed to predict the effect of missense changes on protein structure and function (SIFT, PolyPhen-2, Align-GVGD) all suggest that this variant is likely to be disruptive, but these predictions have not been confirmed by published functional studies and their clinical significance is uncertain. This variant has been observed in individual(s) with STX1B-related condition (Invitae). In at least one individual the variant was observed to be de novo. ClinVar contains an entry for this variant (Variation ID: 945499). This variant is not present in population databases (ExAC no frequency). This sequence change replaces arginine with proline at codon 115 of the STX1B protein (p.Arg115Pro). The arginine residue is highly conserved and there is a moderate physicochemical difference between arginine and proline.

NM_052874.5(STX1B):c.344G>C (p.Arg115Pro)

Gene: STX1B (syntaxin 1B; minus strand). Cytogenetic location: 16p11.2.
Variant type: single nucleotide variant.
Coding change: c.344G>C on transcript NM_052874.5 (MANE Select); coding-DNA position 344, G replaced by C.
Protein change: p.Arg115Pro; replaces arginine 115 with proline.
Molecular consequence: missense variant.
Genome position (GRCh38, 1-based): chr16:30,997,512, C>G on the plus strand (G>C on the coding strand, the complement: STX1B is on the minus strand). VCF-style: chr16-30997512-C-G. GRCh37 (hg19) VCF-style: chr16-31008833-C-G.
Other names: short protein forms R115P.
Identifiers: ClinVar variation 945499 (VCV000945499.9), dbSNP rs868539367, ClinGen allele CA395649547.
Genomic context (GRCh38, chr16:30,997,512, plus strand): 5'-CCTCCCGAGCTGGGTCCCGACCCGACCCCCAATGGGCTGCCGCCTCCTACCTGGGTCTTG[C>G]GGATGCGCAGGTCCGCGGAGGAACGGTTCAGCCCCTCCTCCTGTTCAATGCTTTGCTCGA-3'
Protein context (NP_443106.1, residues 105-125): LNRSSADLRI[Arg115Pro]KTQHSTLSRK